The following is an entry in ClinVar:

ClinVar aggregate classification (germline): Likely benign. Review status: criteria provided, single submitter (1 of 4 stars). 2 submissions from 2 submitters: Likely benign (1). 1 of the submissions does not count toward it. Last evaluated 2019-12-31.

Conditions:
DACT1-related disorder. Also called: DACT1-related condition.

Allele frequency attached by ClinVar (database versions not stated): ExAC 0.00082; gnomAD exomes 0.00045 and 0.00084; TOPMed 0.00046; ESP Exome Variant Server 0.00070; gnomAD 0.00045 and 0.00046; 1000 Genomes Project 0.00100; 1000 Genomes Project 30x 0.00109.
gnomAD v4.1: 1,257 of 1,590,870 alleles (0.079%); highest among the groups gnomAD compares: Non-Finnish European, 0.099%; 2 homozygotes.

Submissions (2):

Labcorp Genetics (formerly Invitae), Labcorp
Classification: Likely benign. Last evaluated: 2019-12-31. Review status: criteria provided, single submitter. Criteria: Invitae Variant Classification Sherloc (09022015). Collection method: clinical testing. Allele origin: germline.

PreventionGenetics, part of Exact Sciences
Classification: Likely benign for DACT1-related condition. Last evaluated: 2024-03-14. Review status: no assertion criteria provided. Collection method: clinical testing. Allele origin: germline. Not counted in ClinVar's aggregate classification.
Comment: This variant is classified as likely benign based on ACMG/AMP sequence variant interpretation guidelines (Richards et al. 2015 PMID: 25741868, with internal and published modifications).

NM_001079520.2(DACT1):c.1861C>T (p.His621Tyr)

Gene: DACT1 (dishevelled binding antagonist of beta catenin 1; plus strand). Cytogenetic location: 14q23.1.
Variant type: single nucleotide variant.
Coding change: c.1861C>T on transcript NM_001079520.2 (MANE Select); coding-DNA position 1861, C replaced by T.
Protein change: p.His621Tyr; replaces histidine 621 with tyrosine.
Molecular consequence: missense variant. On other transcripts: non-coding transcript variant (2).
Genome position (GRCh38, 1-based): chr14:58,646,595, C>T. VCF-style: chr14-58646595-C-T. GRCh37 (hg19) VCF-style: chr14-59113313-C-T.
Other names: c.1972C>T, p.His658Tyr (NM_016651.6); short protein forms H658Y, H621Y.
Identifiers: ClinVar variation 723620 (VCV000723620.5), dbSNP rs202018245, ClinGen allele CA7206918.